The following is an entry in ClinVar:

ClinVar aggregate classification (germline): Uncertain significance (1 of 4 stars; one submission).

Conditions:
Vici syndrome (VICIS). Identifiers: Orphanet 1493, MedGen C1855772, MONDO:0009452, OMIM 242840.

Allele frequency attached by ClinVar (database versions not stated): ExAC 0.00001; TOPMed 0.00001; gnomAD 0.00002; gnomAD exomes 0.00002 and 0.00003.

Submission:

Labcorp Genetics (formerly Invitae), Labcorp
Classification: Uncertain significance for Vici syndrome. Last evaluated: 2021-10-19. Review status: criteria provided, single submitter. Criteria: Invitae Variant Classification Sherloc (09022015). Collection method: clinical testing. Allele origin: germline.
Comment: This sequence change replaces histidine with tyrosine at codon 349 of the EPG5 protein (p.His349Tyr). The histidine residue is moderately conserved and there is a moderate physicochemical difference between histidine and tyrosine. This variant is present in population databases (rs773880955, ExAC 0.001%). This variant has not been reported in the literature in individuals affected with EPG5-related conditions. Algorithms developed to predict the effect of missense changes on protein structure and function are either unavailable or do not agree on the potential impact of this missense change (SIFT: "Tolerated"; PolyPhen-2: "Possibly Damaging"; Align-GVGD: "Class C0"). In summary, the available evidence is currently insufficient to determine the role of this variant in disease. Therefore, it has been classified as a Variant of Uncertain Significance.

NM_020964.3(EPG5):c.1045C>T (p.His349Tyr)

Gene: EPG5 (ectopic P-granules 5 autophagy tethering factor; minus strand). Cytogenetic location: 18q21.1.
Variant type: single nucleotide variant.
Coding change: c.1045C>T on transcript NM_020964.3 (MANE Select); coding-DNA position 1045, C replaced by T.
Protein change: p.His349Tyr; replaces histidine 349 with tyrosine.
Molecular consequence: missense variant.
Genome position (GRCh38, 1-based): chr18:45,952,607, G>A on the plus strand (C>T on the coding strand, the complement: EPG5 is on the minus strand). VCF-style: chr18-45952607-G-A. GRCh37 (hg19) VCF-style: chr18-43532573-G-A.
Other names: short protein forms H349Y.
Identifiers: ClinVar variation 1479762 (VCV001479762.4), dbSNP rs773880955, ClinGen allele CA8949826.